The following is an entry in ClinVar:

NM_020461.4(TUBGCP6):c.4626+10G>A

Gene: TUBGCP6 (tubulin gamma complex component 6; minus strand). Cytogenetic location: 22q13.33.
Variant type: single nucleotide variant.
Coding change: c.4626+10G>A on transcript NM_020461.4 (MANE Select); 10 bases into the intron after coding-DNA position 4626, G replaced by A.
Molecular consequence: intron variant.
Genome position (GRCh38, 1-based): chr22:50,219,058, C>T on the plus strand (G>A on the coding strand, the complement: TUBGCP6 is on the minus strand). VCF-style: chr22-50219058-C-T. GRCh37 (hg19) VCF-style: chr22-50657487-C-T.
Other names: c.4626+10G>A (NM_020461.3).
Identifiers: ClinVar variation 1121160 (VCV001121160.12), dbSNP rs374770901, ClinGen allele CA10307420.

ClinVar aggregate classification (germline): Likely benign. Review status: criteria provided, multiple submitters, no conflicts (2 of 4 stars). 3 submissions from 3 submitters: Likely benign (2). 1 of the submissions does not count toward it. Last evaluated 2025-11-24.

Conditions:
TUBGCP6-related disorder. Also called: TUBGCP6-related condition.

Allele frequency attached by ClinVar (database versions not stated): gnomAD exomes 0.00005 and 0.00006; ExAC 0.00008; 1000 Genomes Project 30x 0.00016; 1000 Genomes Project 0.00020; TOPMed 0.00031; gnomAD 0.00032 and 0.00034; ESP Exome Variant Server 0.00046.
gnomAD v4.1: 129 of 1,611,476 alleles (0.008%); highest among the groups gnomAD compares: African/African-American, 0.1%; no homozygotes.

Submissions (3):

Labcorp Genetics (formerly Invitae), Labcorp
Classification: Likely benign. Last evaluated: 2025-11-24. Review status: criteria provided, single submitter. Criteria: Invitae Variant Classification Sherloc (09022015). Collection method: clinical testing. Allele origin: germline.

Blueprint Genetics
Classification: Likely benign. Last evaluated: 2024-09-18. Review status: criteria provided, single submitter. Criteria: ACMG Guidelines, 2015. Collection method: clinical testing. Allele origin: germline.

PreventionGenetics, part of Exact Sciences
Classification: Likely benign for TUBGCP6-related condition. Last evaluated: 2019-11-14. Review status: no assertion criteria provided. Collection method: clinical testing. Allele origin: germline. Not counted in ClinVar's aggregate classification.
Comment: This variant is classified as likely benign based on ACMG/AMP sequence variant interpretation guidelines (Richards et al. 2015 PMID: 25741868, with internal and published modifications).